The following is an entry in ClinVar:

NM_004655.4(AXIN2):c.2219C>T (p.Pro740Leu)

Gene: AXIN2 (axin 2; minus strand). Cytogenetic location: 17q24.1.
Variant type: single nucleotide variant.
Coding change: c.2219C>T on transcript NM_004655.4 (MANE Select); coding-DNA position 2219, C replaced by T.
Protein change: p.Pro740Leu; replaces proline 740 with leucine.
Molecular consequence: missense variant.
Genome position (GRCh38, 1-based): chr17:65,535,644, G>A on the plus strand (C>T on the coding strand, the complement: AXIN2 is on the minus strand). VCF-style: chr17-65535644-G-A. GRCh37 (hg19) VCF-style: chr17-63531762-G-A.
Other names: c.2024C>T, p.Pro675Leu (NM_001363813.1); short protein forms P675L, P740L.
Identifiers: ClinVar variation 959011 (VCV000959011.13), dbSNP rs747903181, ClinGen allele CA400675729.

ClinVar aggregate classification (germline): Uncertain significance. Review status: criteria provided, multiple submitters, no conflicts (2 of 4 stars). 2 submissions from 2 submitters: Uncertain significance (2). Last evaluated 2024-08-03.

Conditions:
Hereditary cancer-predisposing syndrome. Also called: Tumor predisposition; Hereditary neoplastic syndrome; Neoplastic Syndromes, Hereditary; Hereditary Cancer Syndrome. Identifiers: Orphanet 140162, MedGen C0027672, MeSH D009386, MONDO:0015356.
Oligodontia-cancer predisposition syndrome. Also called: TOOTH AGENESIS-COLORECTAL CANCER SYNDROME. Identifiers: Orphanet 300576, MedGen C1837750, MONDO:0012075, OMIM 608615. Disease mechanism: loss of function.

gnomAD v4.1: 7 of 1,614,144 alleles (0.00043%); highest among the groups gnomAD compares: East Asian, 0.011%; no homozygotes.

Submissions (2):

Labcorp Genetics (formerly Invitae), Labcorp
Classification: Uncertain significance for Oligodontia-cancer predisposition syndrome. Last evaluated: 2024-08-03. Review status: criteria provided, single submitter. Criteria: Invitae Variant Classification Sherloc (09022015). Collection method: clinical testing. Allele origin: germline.
Comment: This sequence change replaces proline, which is neutral and non-polar, with leucine, which is neutral and non-polar, at codon 740 of the AXIN2 protein (p.Pro740Leu). This variant is not present in population databases (gnomAD no frequency). This variant has not been reported in the literature in individuals affected with AXIN2-related conditions. ClinVar contains an entry for this variant (Variation ID: 959011). An algorithm developed to predict the effect of missense changes on protein structure and function (PolyPhen-2) suggests that this variant is likely to be tolerated. In summary, the available evidence is currently insufficient to determine the role of this variant in disease. Therefore, it has been classified as a Variant of Uncertain Significance.

Ambry Genetics
Classification: Uncertain significance for Hereditary cancer-predisposing syndrome. Last evaluated: 2024-06-04. Review status: criteria provided, single submitter. Criteria: Ambry Variant Classification Scheme 2023. Collection method: clinical testing. Allele origin: germline.
Comment: The p.P740L variant (also known as c.2219C>T), located in coding exon 8 of the AXIN2 gene, results from a C to T substitution at nucleotide position 2219. The proline at codon 740 is replaced by leucine, an amino acid with similar properties. This amino acid position is not well conserved in available vertebrate species. In addition, this alteration is predicted to be tolerated by in silico analysis. Based on the available evidence, the clinical significance of this variant remains unclear.